The following is an entry in ClinVar:

ClinVar aggregate classification (germline): Pathogenic. Review status: reviewed by expert panel (3 of 4 stars). 6 submissions from 6 submitters: Pathogenic (1). 5 of the submissions do not count toward it. Last evaluated 2017-12-15.

Conditions:
Hereditary breast ovarian cancer syndrome. Also called: Hereditary breast and ovarian cancer; Breast and ovarian cancer; BRCA1- and BRCA2-Associated Hereditary Breast and Ovarian Cancer; Hereditary breast and ovarian cancer syndrome; Hereditary breast and ovarian cancer syndrome (HBOC); Hereditary breast and/or ovarian cancer syndrome. Identifiers: Orphanet 145, MedGen C0677776, MeSH D061325, MONDO:0003582. Disease mechanism: loss of function.
Hereditary cancer-predisposing syndrome. Also called: Tumor predisposition; Hereditary Cancer Syndrome; Hereditary neoplastic syndrome; Neoplastic Syndromes, Hereditary. Identifiers: Orphanet 140162, MedGen C0027672, MeSH D009386, MONDO:0015356.
Breast-ovarian cancer, familial, susceptibility to, 2 (BROVCA2). Also called: BRCA2 Hereditary Breast and Ovarian Cancer. Identifiers: Orphanet 145, MedGen C2675520, MONDO:0012933, OMIM 612555. Disease mechanism: loss of function.

Submissions (6):

Evidence-based Network for the Interpretation of Germline Mutant Alleles (ENIGMA)
Classification: Pathogenic for Breast-ovarian cancer, familial, susceptibility to, 2. Last evaluated: 2017-12-15. Review status: reviewed by expert panel. Criteria: ENIGMA BRCA1/2 Classification Criteria (2017-06-29). Collection method: curation. Allele origin: germline. Study: ENIGMA.
Comment: Variant allele predicted to encode a truncated non-functional protein.

Labcorp Genetics (formerly Invitae), Labcorp
Classification: Pathogenic for Hereditary breast ovarian cancer syndrome. Last evaluated: 2025-07-18. Review status: criteria provided, single submitter. Criteria: Invitae Variant Classification Sherloc (09022015). Collection method: clinical testing. Allele origin: germline. Not counted in ClinVar's aggregate classification.
Comment: This sequence change creates a premature translational stop signal (p.Gly1712*) in the BRCA2 gene. It is expected to result in an absent or disrupted protein product. Loss-of-function variants in BRCA2 are known to be pathogenic (PMID: 20104584). This variant is not present in population databases (gnomAD no frequency). This variant has not been reported in the literature in individuals affected with BRCA2-related conditions. ClinVar contains an entry for this variant (Variation ID: 234506). For these reasons, this variant has been classified as Pathogenic.

Women's Health and Genetics/Laboratory Corporation of America, LabCorp
Classification: Pathogenic for Hereditary breast ovarian cancer syndrome. Last evaluated: 2023-04-21. Review status: criteria provided, single submitter. Criteria: LabCorp Variant Classification Summary - May 2015. Collection method: clinical testing. Allele origin: germline. Not counted in ClinVar's aggregate classification.
Comment: Variant summary: BRCA2 c.5134G>T (p.Gly1712X) results in a premature termination codon, predicted to cause a truncation of the encoded protein or absence of the protein due to nonsense mediated decay, which are commonly known mechanisms for disease. Variants downstream of this position have been classified as pathogenic by our laboratory. The variant was absent in 225828 control chromosomes. c.5134G>T has been reported in the literature in at least one individual affected with recurrent ovarian, peritoneal, or fallopian tube cancer (e.g., Audeh_2010). To our knowledge, no experimental evidence demonstrating an impact on protein function has been reported. Five clinical diagnostic laboratories have submitted clinical-significance assessments for this variant to ClinVar after 2014, and all laboratories classified the variant as pathogenic. Based on the evidence outlined above, the variant was classified as pathogenic.

Ambry Genetics
Classification: Pathogenic for Hereditary cancer-predisposing syndrome. Last evaluated: 2022-08-05. Review status: criteria provided, single submitter. Criteria: Ambry Variant Classification Scheme 2023. Collection method: clinical testing. Allele origin: germline. Not counted in ClinVar's aggregate classification.
Comment: The p.G1712* pathogenic mutation (also known as c.5134G>T), located in coding exon 10 of the BRCA2 gene, results from a G to T substitution at nucleotide position 5134. This changes the amino acid from a glycine to a stop codon within coding exon 10. This variant is considered to be rare based on population cohorts in the Genome Aggregation Database (gnomAD). In addition to the clinical data presented in the literature, this alteration is expected to result in loss of function by premature protein truncation or nonsense-mediated mRNA decay. As such, this alteration is interpreted as a disease-causing mutation.

Color Diagnostics, LLC DBA Color Health
Classification: Pathogenic for Hereditary cancer-predisposing syndrome. Last evaluated: 2022-03-28. Review status: criteria provided, single submitter. Criteria: ACMG Guidelines, 2015. Collection method: clinical testing. Allele origin: germline. Not counted in ClinVar's aggregate classification.
Comment: This variant changes 1 nucleotide in exon 11 of the BRCA2 gene, creating a premature translation stop signal. This variant is expected to result in an absent or non-functional protein product. This variant has been reported in 2 individuals affected with breast or ovarian cancer (PMID: 20609468, 33471991). This variant has not been identified in the general population by the Genome Aggregation Database (gnomAD). Loss of BRCA2 function is a known mechanism of disease. Based on the available evidence, this variant is classified as Pathogenic.

GeneDx
Classification: Pathogenic. Last evaluated: 2017-01-18. Review status: criteria provided, single submitter. Criteria: GeneDx Variant Classification (06012015). Collection method: clinical testing. Allele origin: germline. Affected: yes. Not counted in ClinVar's aggregate classification.
Comment: This pathogenic variant is denoted BRCA2 c.5134G>T at the cDNA level and p.Gly1712Ter (G1712X) at the protein level. The substitution creates a nonsense variant, which changes a Glycine to a premature stop codon (GGA>TGA), and is predicted to cause loss of normal protein function through either protein truncation or nonsense-mediated mRNA decay. This variant, also published as 5362G>T using alternate nomenclature, has been reported in association with hereditary breast and ovarian cancer (Tutt 2010) and is considered pathogenic.

Literature cited by the submitters: PubMed 20104584 (cited by Labcorp Genetics (formerly Invitae), Labcorp); PubMed 31892343 (cited by Women's Health and Genetics/Laboratory Corporation of America, LabCorp); PubMed 20609468 (cited by 3 submitters); PubMed 30601186 (cited by Women's Health and Genetics/Laboratory Corporation of America, LabCorp); PubMed 33471991 (cited by Color Diagnostics, LLC DBA Color Health).

NM_000059.4(BRCA2):c.5134G>T (p.Gly1712Ter)

Gene: BRCA2 (BRCA2 DNA repair associated; plus strand). Cytogenetic location: 13q13.1.
Variant type: single nucleotide variant.
Coding change: c.5134G>T on transcript NM_000059.4 (MANE Select); coding-DNA position 5134, G replaced by T.
Protein change: p.Gly1712Ter; replaces glycine 1712 with a stop codon.
Molecular consequence: nonsense.
Genome position (GRCh38, 1-based): chr13:32,339,489, G>T. VCF-style: chr13-32339489-G-T. GRCh37 (hg19) VCF-style: chr13-32913626-G-T.
Other names: short protein forms G1712*.
Identifiers: ClinVar variation 234506 (VCV000234506.20), dbSNP rs876661056, ClinGen allele CA10577476.